The following is an entry in ClinVar:

ClinVar aggregate classification (germline): Conflicting classifications of pathogenicity. Review status: criteria provided, conflicting classifications (1 of 4 stars). 2 submissions from 2 submitters: Uncertain significance (1); Likely benign (1). Last evaluated 2024-10-28.

Conditions:
Fanconi anemia (FA). Also called: Fanconi's anemia. Identifiers: Orphanet 84, MedGen C0015625, MeSH D005199, MONDO:0019391.
Inborn genetic diseases. Identifiers: MedGen C0950123, MeSH D030342.

Allele frequency attached by ClinVar (database versions not stated): TOPMed 0.00001; gnomAD 0.00004; gnomAD exomes 0.00007; ExAC 0.00016.
gnomAD v4.1: 112 of 1,614,068 alleles (0.0069%); highest among the groups gnomAD compares: South Asian, 0.11%; no homozygotes.

Submissions (2):

Ambry Genetics
Classification: Likely benign for Inborn genetic diseases. Last evaluated: 2024-10-28. Review status: criteria provided, single submitter. Criteria: Ambry Variant Classification Scheme 2023. Collection method: clinical testing. Allele origin: germline.

Labcorp Genetics (formerly Invitae), Labcorp
Classification: Uncertain significance for Fanconi anemia. Last evaluated: 2024-09-21. Review status: criteria provided, single submitter. Criteria: Invitae Variant Classification Sherloc (09022015). Collection method: clinical testing. Allele origin: germline.
Comment: This sequence change replaces glutamic acid, which is acidic and polar, with lysine, which is basic and polar, at codon 1065 of the FANCI protein (p.Glu1065Lys). This variant is present in population databases (rs752465579, gnomAD 0.1%). This variant has not been reported in the literature in individuals affected with FANCI-related conditions. ClinVar contains an entry for this variant (Variation ID: 2173461). An algorithm developed to predict the effect of missense changes on protein structure and function (PolyPhen-2) suggests that this variant is likely to be disruptive. In summary, the available evidence is currently insufficient to determine the role of this variant in disease. Therefore, it has been classified as a Variant of Uncertain Significance.

NM_001113378.2(FANCI):c.3193G>A (p.Glu1065Lys)

Gene: FANCI (FA complementation group I; plus strand). Cytogenetic location: 15q26.1.
Variant type: single nucleotide variant.
Coding change: c.3193G>A on transcript NM_001113378.2 (MANE Select); coding-DNA position 3193, G replaced by A.
Protein change: p.Glu1065Lys; replaces glutamic acid 1065 with lysine.
Molecular consequence: missense variant.
Genome position (GRCh38, 1-based): chr15:89,305,347, G>A. VCF-style: chr15-89305347-G-A. GRCh37 (hg19) VCF-style: chr15-89848578-G-A.
Other names: c.2914G>A, p.Glu972Lys (NM_001376910.1); c.3193G>A, p.Glu1065Lys (NM_001376911.1); c.3013G>A, p.Glu1005Lys (NM_018193.3); short protein forms E1065K, E1005K, E972K.
Identifiers: ClinVar variation 2173461 (VCV002173461.4), dbSNP rs752465579, ClinGen allele CA7723638.